The following is an entry in ClinVar:

NM_016042.4(EXOSC3):c.-2C>T

Gene: EXOSC3 (exosome component 3; minus strand). Cytogenetic location: 9p13.2.
Variant type: single nucleotide variant.
Coding change: c.-2C>T on transcript NM_016042.4 (MANE Select); 2 bases upstream of the start codon, C replaced by T.
Molecular consequence: 5 prime UTR variant.
Genome position (GRCh38, 1-based): chr9:37,785,046, G>A on the plus strand (C>T on the coding strand, the complement: EXOSC3 is on the minus strand). VCF-style: chr9-37785046-G-A. GRCh37 (hg19) VCF-style: chr9-37785043-G-A.
Other names: c.-2C>T (NM_001002269.2).
Identifiers: ClinVar variation 4981675 (VCV004981675.2).

ClinVar aggregate classification (germline): Conflicting classifications of pathogenicity. Review status: criteria provided, conflicting classifications (1 of 4 stars). 2 submissions from 2 submitters: Uncertain significance (1); Likely benign (1). Last evaluated 2026-06-01.

Conditions:
EXOSC3-related disorder. Also called: EXOSC3-related condition.

Submissions (2):

PreventionGenetics, part of Exact Sciences
Classification: Likely benign for EXOSC3-related condition. Last evaluated: 2026-06-01. Review status: criteria provided, single submitter. Criteria: ACMG Guidelines, 2015. Collection method: clinical testing. Allele origin: germline.
Comment: This variant is classified as likely benign based on ACMG/AMP sequence variant interpretation guidelines (Richards et al. 2015 PMID: 25741868, with internal and published modifications).

GeneDx
Classification: Uncertain significance. Last evaluated: 2026-04-01. Review status: criteria provided, single submitter. Criteria: GeneDx Variant Classification Process June 2021. Collection method: clinical testing. Allele origin: germline.
Comment: Nucleotide is not conserved across species and the substitution has no predicted effect on splicing; Has not been previously published as pathogenic or benign to our knowledge; Alters the Kozak sequence, which plays a major role in the initiation of translation